The following is an entry in ClinVar:

ClinVar aggregate classification (germline): Uncertain significance (1 of 4 stars; one submission).

Conditions:
Emery-Dreifuss muscular dystrophy 5, autosomal dominant (EDMD5). Also called: EMERY-DREIFUSS MUSCULAR DYSTROPHY 5. Identifiers: Orphanet 261, MedGen C2751805, MONDO:0013072, OMIM 612999.

Submission:

Labcorp Genetics (formerly Invitae), Labcorp
Classification: Uncertain significance for Emery-Dreifuss muscular dystrophy 5, autosomal dominant. Last evaluated: 2021-11-07. Review status: criteria provided, single submitter. Criteria: Invitae Variant Classification Sherloc (09022015). Collection method: clinical testing. Allele origin: germline.
Comment: This variant has not been reported in the literature in individuals affected with SYNE2-related conditions. This variant is not present in population databases (gnomAD no frequency). This sequence change replaces proline, which is neutral and non-polar, with glutamine, which is neutral and polar, at codon 842 of the SYNE2 protein (p.Pro842Gln). Algorithms developed to predict the effect of missense changes on protein structure and function output the following: SIFT: "Tolerated"; PolyPhen-2: "Benign"; Align-GVGD: "Class C0". The glutamine amino acid residue is found in multiple mammalian species, which suggests that this missense change does not adversely affect protein function. In summary, the available evidence is currently insufficient to determine the role of this variant in disease. Therefore, it has been classified as a Variant of Uncertain Significance.

NM_182914.3(SYNE2):c.2525C>A (p.Pro842Gln)

Gene: SYNE2 (spectrin repeat containing nuclear envelope protein 2; plus strand). Cytogenetic location: 14q23.2.
Variant type: single nucleotide variant.
Coding change: c.2525C>A on transcript NM_182914.3 (MANE Select); coding-DNA position 2525, C replaced by A.
Protein change: p.Pro842Gln; replaces proline 842 with glutamine.
Molecular consequence: missense variant.
Genome position (GRCh38, 1-based): chr14:63,990,994, C>A. VCF-style: chr14-63990994-C-A. GRCh37 (hg19) VCF-style: chr14-64457712-C-A.
Other names: c.2525C>A, p.Pro842Gln (NM_015180.6); short protein forms P842Q.
Identifiers: ClinVar variation 1507145 (VCV001507145.6), dbSNP rs1230958792, ClinGen allele CA389976196.